The following is an entry in ClinVar:

NM_020975.6(RET):c.1055A>T (p.His352Leu)

Gene: RET (ret proto-oncogene; plus strand). Cytogenetic location: 10q11.21.
Variant type: single nucleotide variant.
Coding change: c.1055A>T on transcript NM_020975.6 (MANE Select); coding-DNA position 1055, A replaced by T.
Protein change: p.His352Leu; replaces histidine 352 with leucine.
Molecular consequence: missense variant. On other transcripts: intron variant (25).
Genome position (GRCh38, 1-based): chr10:43,106,563, A>T. VCF-style: chr10-43106563-A-T. GRCh37 (hg19) VCF-style: chr10-43602011-A-T.
Other names: c.1055A>T, p.His352Leu (NM_000323.2, NM_001406743.1, NM_001406744.1 and 6 more transcripts); c.293A>T, p.His98Leu (NM_001355216.2); c.926A>T, p.His309Leu (NM_001406761.1, NM_001406762.1, NM_001406764.1 and 1 more transcripts); c.767A>T, p.His256Leu (NM_001406766.1, NM_001406767.1, NM_001406770.1); c.867+1370A>T (NM_001406772.1, NM_001406769.1); c.626-2468A>T (NM_001406773.1, NM_001406771.1); c.625+3934A>T (NM_001406782.1, NM_001406780.1, NM_001406779.1 and 3 more transcripts); c.738+1370A>T (NM_001406774.1); and 5 more; short protein forms H256L, H352L, H309L, H98L.
Identifiers: ClinVar variation 2568332 (VCV002568332.2), dbSNP rs1131691450, ClinGen allele CA376546506.

ClinVar aggregate classification (germline): Uncertain significance (1 of 4 stars; one submission).

Conditions:
Hereditary cancer-predisposing syndrome. Also called: Hereditary neoplastic syndrome; Hereditary Cancer Syndrome; Neoplastic Syndromes, Hereditary; Tumor predisposition. Identifiers: Orphanet 140162, MedGen C0027672, MeSH D009386, MONDO:0015356.

Submission:

Ambry Genetics
Classification: Uncertain significance for Hereditary cancer-predisposing syndrome. Last evaluated: 2023-04-03. Review status: criteria provided, single submitter. Criteria: Ambry Variant Classification Scheme 2023. Collection method: clinical testing. Allele origin: germline.
Comment: The p.H352L variant (also known as c.1055A>T), located in coding exon 5 of the RET gene, results from an A to T substitution at nucleotide position 1055. The histidine at codon 352 is replaced by leucine, an amino acid with similar properties. This amino acid position is conserved. In addition, this alteration is predicted to be deleterious by in silico analysis. Since supporting evidence is limited at this time, the clinical significance of this alteration remains unclear.